The following is an entry in ClinVar:

ClinVar aggregate classification (germline): Likely benign (1 of 4 stars; one submission).

Allele frequency attached by ClinVar (database versions not stated): TOPMed below 0.00001; ExAC 0.00001; gnomAD exomes 0.00001.
gnomAD v4.1: 4 of 1,511,808 alleles (0.00026%); highest among the groups gnomAD compares: Non-Finnish European, 0.00035%; no homozygotes.

Submission:

GeneDx
Classification: Likely benign. Last evaluated: 2017-04-21. Review status: criteria provided, single submitter. Criteria: GeneDx Variant Classification (06012015). Collection method: clinical testing. Allele origin: germline. Affected: yes.
Comment: This variant is considered likely benign or benign based on one or more of the following criteria: it is a conservative change, it occurs at a poorly conserved position in the protein, it is predicted to be benign by multiple in silico algorithms, and/or has population frequency not consistent with disease.

NM_153006.3(NAGS):c.-18C>T

Gene: NAGS (N-acetylglutamate synthase; plus strand). Cytogenetic location: 17q21.31.
Variant type: single nucleotide variant.
Coding change: c.-18C>T on transcript NM_153006.3 (MANE Select); 18 bases upstream of the start codon, C replaced by T.
Molecular consequence: 5 prime UTR variant.
Genome position (GRCh38, 1-based): chr17:44,004,646, C>T. VCF-style: chr17-44004646-C-T. GRCh37 (hg19) VCF-style: chr17-42082014-C-T.
Identifiers: ClinVar variation 508526 (VCV000508526.1), dbSNP rs780595830, ClinGen allele CA8595071.